The following is an entry in ClinVar:

NM_001377334.1(PIK3C2B):c.528G>T (p.Gly176=)

Gene: PIK3C2B (phosphatidylinositol-4-phosphate 3-kinase catalytic subunit type 2 beta; minus strand). Cytogenetic location: 1q32.1.
Variant type: single nucleotide variant.
Coding change: c.528G>T on transcript NM_001377334.1 (MANE Select); coding-DNA position 528, G replaced by T.
Protein change: p.Gly176=; no amino-acid change (glycine 176 retained).
Molecular consequence: synonymous variant.
Genome position (GRCh38, 1-based): chr1:204,469,275, C>A on the plus strand (G>T on the coding strand, the complement: PIK3C2B is on the minus strand). VCF-style: chr1-204469275-C-A. GRCh37 (hg19) VCF-style: chr1-204438403-C-A.
Other names: c.528G>T, p.Gly176= (NM_001377335.1, NM_002646.4).
Identifiers: ClinVar variation 4978357 (VCV004978357.1).

ClinVar aggregate classification (germline): Likely benign (1 of 4 stars; one submission).

Conditions:
PIK3C2B-related disorder. Also called: PIK3C2B-related condition.

gnomAD v4.1: 1 of 1,552,622 alleles (0.000064%); no homozygotes.

Submission:

PreventionGenetics, part of Exact Sciences
Classification: Likely benign for PIK3C2B-related condition. Last evaluated: 2024-10-08. Review status: criteria provided, single submitter. Criteria: ACMG Guidelines, 2015. Collection method: clinical testing. Allele origin: germline.
Comment: This variant is classified as likely benign based on ACMG/AMP sequence variant interpretation guidelines (Richards et al. 2015 PMID: 25741868, with internal and published modifications).